The following is an entry in ClinVar:

NM_004946.3(DOCK2):c.5130G>A (p.Ala1710=)

Gene: DOCK2 (dedicator of cytokinesis 2; plus strand). Cytogenetic location: 5q35.1.
Variant type: single nucleotide variant.
Coding change: c.5130G>A on transcript NM_004946.3 (MANE Select); coding-DNA position 5130, G replaced by A.
Protein change: p.Ala1710=; no amino-acid change (alanine 1710 retained).
Molecular consequence: synonymous variant. On other transcripts: non-coding transcript variant (1).
Genome position (GRCh38, 1-based): chr5:170,079,110, G>A. VCF-style: chr5-170079110-G-A. GRCh37 (hg19) VCF-style: chr5-169506114-G-A.
Identifiers: ClinVar variation 1589518 (VCV001589518.33), dbSNP rs143741887, ClinGen allele CA3554768.

ClinVar aggregate classification (germline): Likely benign. Review status: criteria provided, multiple submitters, no conflicts (2 of 4 stars). 3 submissions from 3 submitters: Likely benign (3). Last evaluated 2025-10-24.

Conditions:
DOCK2 deficiency. Also called: Immunodeficiency 40. Identifiers: Orphanet 447737, MedGen C4225328, MONDO:0014637, OMIM 616433.

Allele frequency attached by ClinVar (database versions not stated): gnomAD 0.00006 and 0.00010; ExAC 0.00009; TOPMed 0.00009; ESP Exome Variant Server 0.00023; 1000 Genomes Project 30x 0.00031; 1000 Genomes Project 0.00040.
gnomAD v4.1: 154 of 1,613,990 alleles (0.0095%); highest among the groups gnomAD compares: South Asian, 0.025%; no homozygotes.

Submissions (3):

Labcorp Genetics (formerly Invitae), Labcorp
Classification: Likely benign for DOCK2 deficiency. Last evaluated: 2025-10-24. Review status: criteria provided, single submitter. Criteria: Invitae Variant Classification Sherloc (09022015). Collection method: clinical testing. Allele origin: germline.

CeGaT Center for Human Genetics Tuebingen
Classification: Likely benign. Last evaluated: 2024-08-01. Review status: criteria provided, single submitter. Criteria: CeGaT Center For Human Genetics Tuebingen Variant Classification Criteria Version 2. Collection method: clinical testing. Allele origin: germline. Affected: yes. Observed: 2 variant alleles.
Comment: DOCK2: BP4, BP7

Blueprint Genetics
Classification: Likely benign. Last evaluated: 2024-05-28. Review status: criteria provided, single submitter. Criteria: ACMG Guidelines, 2015. Collection method: clinical testing. Allele origin: germline.